The following is an entry in ClinVar:

ClinVar aggregate classification (germline): Uncertain significance (1 of 4 stars; one submission).

Submission:

Labcorp Genetics (formerly Invitae), Labcorp
Classification: Uncertain significance. Last evaluated: 2020-02-11. Review status: criteria provided, single submitter. Criteria: Invitae Variant Classification Sherloc (09022015). Collection method: clinical testing. Allele origin: germline.
Comment: In summary, the available evidence is currently insufficient to determine the role of this variant in disease. Therefore, it has been classified as a Variant of Uncertain Significance. Algorithms developed to predict the effect of missense changes on protein structure and function output the following: SIFT: "Tolerated"; PolyPhen-2: "Benign"; Align-GVGD: "Class C0". The threonine amino acid residue is found in multiple mammalian species, suggesting that this missense change does not adversely affect protein function. These predictions have not been confirmed by published functional studies and their clinical significance is uncertain. This variant has not been reported in the literature in individuals with USH2A-related conditions. This variant is not present in population databases (ExAC no frequency). This sequence change replaces serine with threonine at codon 5087 of the USH2A protein (p.Ser5087Thr). The serine residue is highly conserved and there is a small physicochemical difference between serine and threonine.

NM_206933.4(USH2A):c.15259T>A (p.Ser5087Thr)

Gene: USH2A (usherin; minus strand). Cytogenetic location: 1q41.
Variant type: single nucleotide variant.
Coding change: c.15259T>A on transcript NM_206933.4 (MANE Select); coding-DNA position 15259, T replaced by A.
Protein change: p.Ser5087Thr; replaces serine 5087 with threonine.
Molecular consequence: missense variant.
Genome position (GRCh38, 1-based): chr1:215,634,497, A>T on the plus strand (T>A on the coding strand, the complement: USH2A is on the minus strand). VCF-style: chr1-215634497-A-T. GRCh37 (hg19) VCF-style: chr1-215807839-A-T.
Other names: short protein forms S5087T.
Identifiers: ClinVar variation 967248 (VCV000967248.9), dbSNP rs1656409856, ClinGen allele CA344823474.